The following is an entry in ClinVar:

ClinVar aggregate classification (germline): Pathogenic (1 of 4 stars; one submission).

Submission:

Labcorp Genetics (formerly Invitae), Labcorp
Classification: Pathogenic. Last evaluated: 2022-02-11. Review status: criteria provided, single submitter. Criteria: Invitae Variant Classification Sherloc (09022015). Collection method: clinical testing. Allele origin: germline.
Comment: This variant is a gross deletion of the genomic region encompassing exon(s) 5-6 of the GRHPR gene. This deletion is out-of-frame, and is expected to create a premature termination codon and result in an absent or disrupted protein product. Loss-of-function variants in GRHPR are known to be pathogenic (PMID: 25644115). This variant has not been reported in the literature in individuals affected with GRHPR-related conditions. For these reasons, this variant has been classified as Pathogenic.

Literature cited by the submitters: PubMed 25644115.

NC_000009.11:g.(?_37428471)_(37429843_?)del

Gene: GRHPR (glyoxylate and hydroxypyruvate reductase; plus strand). Cytogenetic location: 9p13.2.
Variant type: Deletion.
Identifiers: ClinVar variation 2425775 (VCV002425775.4).